The following is an entry in ClinVar:

ClinVar aggregate classification (germline): Uncertain significance. Review status: criteria provided, multiple submitters, no conflicts (2 of 4 stars). 3 submissions from 3 submitters: Uncertain significance (3). Last evaluated 2024-11-18.

Conditions:
SPTAN1-related disorder. Also called: SPTAN1-related disorders; SPTAN1-related condition.
Inborn genetic diseases. Identifiers: MedGen C0950123, MeSH D030342.
Early-infantile DEE. Also called: Early infantile epileptic encephalopathy; Ohtahara syndrome; Early infantile epileptic encephalopathy with suppression bursts. Identifiers: Orphanet 1934, MedGen C0393706, MONDO:0800491.

Submissions (3):

PreventionGenetics, part of Exact Sciences
Classification: Uncertain significance for SPTAN1-related condition. Last evaluated: 2024-11-18. Review status: criteria provided, single submitter. Criteria: ACMG Guidelines, 2015. Collection method: clinical testing. Allele origin: germline.
Comment: The SPTAN1 c.6553A>G variant is predicted to result in the amino acid substitution p.Arg2185Gly. To our knowledge, this variant has not been reported in the literature or in a large population database (gnomAD), indicating this variant is rare. At this time, the clinical significance of this variant is uncertain due to the absence of conclusive functional and genetic evidence.

Labcorp Genetics (formerly Invitae), Labcorp
Classification: Uncertain significance for Early-infantile DEE. Last evaluated: 2024-04-05. Review status: criteria provided, single submitter. Criteria: Invitae Variant Classification Sherloc (09022015). Collection method: clinical testing. Allele origin: germline.
Comment: This sequence change replaces arginine, which is basic and polar, with glycine, which is neutral and non-polar, at codon 2185 of the SPTAN1 protein (p.Arg2185Gly). This variant is not present in population databases (gnomAD no frequency). This variant has not been reported in the literature in individuals affected with SPTAN1-related conditions. ClinVar contains an entry for this variant (Variation ID: 1431741). Advanced modeling of protein sequence and biophysical properties (such as structural, functional, and spatial information, amino acid conservation, physicochemical variation, residue mobility, and thermodynamic stability) has been performed at Invitae for this missense variant, however the output from this modeling did not meet the statistical confidence thresholds required to predict the impact of this variant on SPTAN1 protein function. In summary, the available evidence is currently insufficient to determine the role of this variant in disease. Therefore, it has been classified as a Variant of Uncertain Significance.

Ambry Genetics
Classification: Uncertain significance for Inborn genetic diseases. Last evaluated: 2019-06-21. Review status: criteria provided, single submitter. Criteria: Ambry Variant Classification Scheme 2023. Collection method: clinical testing. Allele origin: germline.
Comment: The p.R2185G variant (also known as c.6553A>G), located in coding exon 48 of the SPTAN1 gene, results from an A to G substitution at nucleotide position 6553. The arginine at codon 2185 is replaced by glycine, an amino acid with dissimilar properties. This amino acid position is highly conserved in available vertebrate species. In addition, the in silico prediction for this alteration is inconclusive. Since supporting evidence is limited at this time, the clinical significance of this alteration remains unclear.

NM_001130438.3(SPTAN1):c.6553A>G (p.Arg2185Gly)

Gene: SPTAN1 (spectrin alpha, non-erythrocytic 1; plus strand). Cytogenetic location: 9q34.11.
Variant type: single nucleotide variant.
Coding change: c.6553A>G on transcript NM_001130438.3 (MANE Select); coding-DNA position 6553, A replaced by G.
Protein change: p.Arg2185Gly; replaces arginine 2185 with glycine.
Molecular consequence: missense variant.
Genome position (GRCh38, 1-based): chr9:128,626,664, A>G. VCF-style: chr9-128626664-A-G. GRCh37 (hg19) VCF-style: chr9-131388943-A-G.
Other names: c.6478A>G, p.Arg2160Gly (NM_001195532.2); c.6553A>G, p.Arg2185Gly (NM_001363759.2, NM_001375310.1, NM_001375311.2 and 1 more transcripts); c.6493A>G, p.Arg2165Gly (NM_001363765.2, NM_001375314.2); c.6589A>G, p.Arg2197Gly (NM_001375312.2, NM_001375318.1); c.6538A>G, p.Arg2180Gly (NM_003127.4); short protein forms R2160G, R2180G, R2165G, R2197G, R2185G.
Identifiers: ClinVar variation 1431741 (VCV001431741.12), dbSNP rs2131968714, ClinGen allele CA375089801.
Genomic context (GRCh38, chr9:128,626,664, plus strand): 5'-TTCCGCGTAGCCTCCAACCCCTACACCTGGTTTACCATGGAGGCCCTGGAGGAGACCTGG[A>G]GGAACCTACAGAAAATCATCAAGGTACACCTCCCGCTGCCCTCAGGAGCTGCTCGGCCTC-3'
Protein context (NP_001123910.1, residues 2175-2195): FTMEALEETW[Arg2185Gly]NLQKIIKERE